The following is an entry in ClinVar:

NM_001557.4(CXCR2):c.650C>T (p.Ser217Phe)

Gene: CXCR2 (C-X-C motif chemokine receptor 2; plus strand). Cytogenetic location: 2q35.
Variant type: single nucleotide variant.
Coding change: c.650C>T on transcript NM_001557.4 (MANE Select); coding-DNA position 650, C replaced by T.
Protein change: p.Ser217Phe; replaces serine 217 with phenylalanine.
Molecular consequence: missense variant.
Genome position (GRCh38, 1-based): chr2:218,135,451, C>T. VCF-style: chr2-218135451-C-T. GRCh37 (hg19) VCF-style: chr2-219000174-C-T.
Other names: c.650C>T (NM_001557.3); c.650C>T, p.Ser217Phe (NM_001168298.2); short protein forms S217F.
Identifiers: ClinVar variation 1470004 (VCV001470004.9), dbSNP rs199822657, ClinGen allele CA2101742.
Genomic context (GRCh38, chr2:218,135,451, plus strand): 5'-ATGAGGACATGGGCAACAATACAGCAAACTGGCGGATGCTGTTACGGATCCTGCCCCAGT[C>T]CTTTGGCTTCATCGTGCCACTGCTGATCATGCTGTTCTGCTACGGATTCACCCTGCGTAC-3'
Protein context (NP_001548.1, residues 207-227): WRMLLRILPQ[Ser217Phe]FGFIVPLLIM

ClinVar aggregate classification (germline): Uncertain significance. Review status: criteria provided, multiple submitters, no conflicts (2 of 4 stars). 2 submissions from 2 submitters: Uncertain significance (2). Last evaluated 2025-06-18.

Allele frequency attached by ClinVar (database versions not stated): TOPMed 0.00005; gnomAD 0.00007; gnomAD exomes 0.00008; 1000 Genomes Project 30x 0.00016; ESP Exome Variant Server 0.00008.

Submissions (2):

Ambry Genetics
Classification: Uncertain significance. Last evaluated: 2025-06-18. Review status: criteria provided, single submitter. Criteria: Ambry Variant Classification Scheme 2023. Collection method: clinical testing. Allele origin: germline.

Labcorp Genetics (formerly Invitae), Labcorp
Classification: Uncertain significance. Last evaluated: 2025-01-07. Review status: criteria provided, single submitter. Criteria: Invitae Variant Classification Sherloc (09022015). Collection method: clinical testing. Allele origin: germline.
Comment: This sequence change replaces serine, which is neutral and polar, with phenylalanine, which is neutral and non-polar, at codon 217 of the CXCR2 protein (p.Ser217Phe). This variant is present in population databases (rs199822657, gnomAD 0.04%), including at least one homozygous and/or hemizygous individual. This variant has not been reported in the literature in individuals affected with CXCR2-related conditions. ClinVar contains an entry for this variant (Variation ID: 1470004). An algorithm developed to predict the effect of missense changes on protein structure and function outputs the following: PolyPhen-2: "Benign". The phenylalanine amino acid residue is found in multiple mammalian species, which suggests that this missense change does not adversely affect protein function. In summary, the available evidence is currently insufficient to determine the role of this variant in disease. Therefore, it has been classified as a Variant of Uncertain Significance.